The following is an entry in ClinVar:

NM_138713.4(NFAT5):c.878T>C (p.Val293Ala)

Gene: NFAT5 (nuclear factor of activated T cells 5; plus strand). Cytogenetic location: 16q22.1.
Variant type: single nucleotide variant.
Coding change: c.878T>C on transcript NM_138713.4 (MANE Select); coding-DNA position 878, T replaced by C.
Protein change: p.Val293Ala; replaces valine 293 with alanine.
Molecular consequence: missense variant.
Genome position (GRCh38, 1-based): chr16:69,653,301, T>C. VCF-style: chr16-69653301-T-C. GRCh37 (hg19) VCF-style: chr16-69687204-T-C.
Other names: c.878T>C, p.Val293Ala (NM_001113178.3); c.206T>C, p.Val69Ala (NM_001367709.1); c.824T>C, p.Val275Ala (NM_006599.4); c.596T>C, p.Val199Ala (NM_138714.4, NM_173214.3, NM_173215.3); short protein forms V293A, V199A, V275A, V69A.
Identifiers: ClinVar variation 2776193 (VCV002776193.3), dbSNP rs1457665601, ClinGen allele CA396489277.

ClinVar aggregate classification (germline): Uncertain significance (1 of 4 stars; one submission).

Conditions:
Immunodeficiency. Identifiers: MedGen C0021051, MONDO:0021094, HP:0002721.

Allele frequency attached by ClinVar (database versions not stated): gnomAD exomes 0.00001.
gnomAD v4.1: 12 of 1,612,612 alleles (0.00074%); highest among the groups gnomAD compares: Non-Finnish European, 0.001%; no homozygotes.

Submission:

Labcorp Genetics (formerly Invitae), Labcorp
Classification: Uncertain significance for Immunodeficiency. Last evaluated: 2025-07-15. Review status: criteria provided, single submitter. Criteria: Invitae Variant Classification Sherloc (09022015). Collection method: clinical testing. Allele origin: germline.
Comment: This sequence change replaces valine, which is neutral and non-polar, with alanine, which is neutral and non-polar, at codon 199 of the NFAT5 protein (p.Val199Ala). This variant is present in population databases (no rsID available, gnomAD 0.0009%). This variant has not been reported in the literature in individuals affected with NFAT5-related conditions. ClinVar contains an entry for this variant (Variation ID: 2776193). An algorithm developed to predict the effect of missense changes on protein structure and function (PolyPhen-2) suggests that this variant is likely to be tolerated. In summary, the available evidence is currently insufficient to determine the role of this variant in disease. Therefore, it has been classified as a Variant of Uncertain Significance.